The following is an entry in ClinVar:

ClinVar aggregate classification (germline): Uncertain significance (1 of 4 stars; one submission).

gnomAD v4.1: 19 of 1,614,196 alleles (0.0012%); highest among the groups gnomAD compares: Non-Finnish European, 0.0016%; no homozygotes.

Submission:

Labcorp Genetics (formerly Invitae), Labcorp
Classification: Uncertain significance. Last evaluated: 2025-09-09. Review status: criteria provided, single submitter. Criteria: Invitae Variant Classification Sherloc (09022015). Collection method: clinical testing. Allele origin: germline.
Comment: This sequence change replaces isoleucine, which is neutral and non-polar, with methionine, which is neutral and non-polar, at codon 1420 of the TECTA protein (p.Ile1420Met). The frequency data for this variant in the population databases is considered unreliable, as metrics indicate poor data quality at this position in the gnomAD database. This variant has not been reported in the literature in individuals affected with TECTA-related conditions. Invitae Evidence Modeling of protein sequence and biophysical properties (such as structural, functional, and spatial information, amino acid conservation, physicochemical variation, residue mobility, and thermodynamic stability) indicates that this missense variant is not expected to disrupt TECTA protein function with a negative predictive value of 95%. In summary, the available evidence is currently insufficient to determine the role of this variant in disease. Therefore, it has been classified as a Variant of Uncertain Significance.

NM_005422.4(TECTA):c.4260C>G (p.Ile1420Met)

Genes: TBCEL-TECTA (TBCEL-TECTA readthrough; plus strand), TECTA (tectorin alpha; plus strand). Cytogenetic location: 11q23.3.
Variant type: single nucleotide variant.
Coding change: c.4260C>G on transcript NM_005422.4 (MANE Select); coding-DNA position 4260, C replaced by G.
Protein change: p.Ile1420Met; replaces isoleucine 1420 with methionine.
Molecular consequence: missense variant.
Genome position (GRCh38, 1-based): chr11:121,153,035, C>G. VCF-style: chr11-121153035-C-G. GRCh37 (hg19) VCF-style: chr11-121023744-C-G.
Other names: c.5217C>G, p.Ile1739Met (NM_001378761.1); short protein forms I1420M, I1739M.
Identifiers: ClinVar variation 4777634 (VCV004777634.1).